The following is an entry in ClinVar:

ClinVar aggregate classification (germline): Uncertain significance (1 of 4 stars; one submission).

Conditions:
SCAPER-related disorder. Also called: SCAPER-related condition.

gnomAD v4.1: 1 of 1,607,792 alleles (0.000062%); highest among the groups gnomAD compares: Non-Finnish European, 0.000085%; no homozygotes.

Submission:

PreventionGenetics, part of Exact Sciences
Classification: Uncertain significance for SCAPER-related condition. Last evaluated: 2026-03-06. Review status: criteria provided, single submitter. Criteria: ACMG Guidelines, 2015. Collection method: clinical testing. Allele origin: germline.
Comment: The SCAPER c.3328A>G variant is predicted to result in the amino acid substitution p.Ser1110Gly. To our knowledge, this variant has not been reported in the literature or in a large population database (gnomAD), indicating this variant is rare. At this time, the clinical significance of this variant is uncertain due to the absence of conclusive functional and genetic evidence.

NM_020843.4(SCAPER):c.3310A>G (p.Ser1104Gly)

Genes: SCAPER (S-phase cyclin A associated protein in the ER; minus strand), LOC126862183 (BRD4-independent group 4 enhancer GRCh37_chr15:76726060-76727259; plus strand). Cytogenetic location: 15q24.3.
Variant type: single nucleotide variant.
Coding change: c.3310A>G on transcript NM_020843.4 (MANE Select); coding-DNA position 3310, A replaced by G.
Protein change: p.Ser1104Gly; replaces serine 1104 with glycine.
Molecular consequence: missense variant. On other transcripts: non-coding transcript variant (1).
Genome position (GRCh38, 1-based): chr15:76,434,079, T>C on the plus strand (A>G on the coding strand, the complement: SCAPER is on the minus strand). VCF-style: chr15-76434079-T-C. GRCh37 (hg19) VCF-style: chr15-76726420-T-C.
Other names: c.2572A>G, p.Ser858Gly (NM_001145923.2); c.3328A>G, p.Ser1110Gly (NM_001353009.2); c.2908A>G, p.Ser970Gly (NM_001353010.2, NM_001353012.2); c.2926A>G, p.Ser976Gly (NM_001353011.2); short protein forms S1110G, S970G, S1104G, S858G, S976G.
Identifiers: ClinVar variation 4991600 (VCV004991600.1).